The following is an entry in ClinVar:

NM_001197104.2(KMT2A):c.1565A>C (p.Glu522Ala)

Gene: KMT2A (lysine methyltransferase 2A; plus strand). Cytogenetic location: 11q23.3.
Variant type: single nucleotide variant.
Coding change: c.1565A>C on transcript NM_001197104.2 (MANE Select); coding-DNA position 1565, A replaced by C.
Protein change: p.Glu522Ala; replaces glutamic acid 522 with alanine.
Molecular consequence: missense variant.
Genome position (GRCh38, 1-based): chr11:118,472,724, A>C. VCF-style: chr11-118472724-A-C. GRCh37 (hg19) VCF-style: chr11-118343439-A-C.
Other names: c.1565A>C, p.Glu522Ala (NM_005933.4); short protein forms E522A.
Identifiers: ClinVar variation 1370436 (VCV001370436.8), dbSNP rs1949965278, ClinGen allele CA382810383.

ClinVar aggregate classification (germline): Uncertain significance (1 of 4 stars; one submission).

Allele frequency attached by ClinVar (database versions not stated): TOPMed below 0.00001.

Submission:

Labcorp Genetics (formerly Invitae), Labcorp
Classification: Uncertain significance. Last evaluated: 2021-02-07. Review status: criteria provided, single submitter. Criteria: Invitae Variant Classification Sherloc (09022015). Collection method: clinical testing. Allele origin: germline.
Comment: In summary, the available evidence is currently insufficient to determine the role of this variant in disease. Therefore, it has been classified as a Variant of Uncertain Significance. This sequence change replaces glutamic acid with alanine at codon 522 of the KMT2A protein (p.Glu522Ala). The glutamic acid residue is weakly conserved and there is a moderate physicochemical difference between glutamic acid and alanine. This variant is not present in population databases (ExAC no frequency). This variant has not been reported in the literature in individuals with KMT2A-related conditions. Advanced modeling of protein sequence and biophysical properties (such as structural, functional, and spatial information, amino acid conservation, physicochemical variation, residue mobility, and thermodynamic stability) performed at Invitae indicates that this missense variant is not expected to disrupt KMT2A protein function.